The following is an entry in ClinVar:

ClinVar aggregate classification (germline): Likely benign. Review status: criteria provided, multiple submitters, no conflicts (2 of 4 stars). 4 submissions from 4 submitters: Likely benign (3). 1 of the submissions does not count toward it. Last evaluated 2025-07-31.

Conditions:
RAI1-related disorder. Also called: RAI1-related condition.
Inborn genetic diseases. Identifiers: MedGen C0950123, MeSH D030342.

Submissions (4):

Labcorp Genetics (formerly Invitae), Labcorp
Classification: Likely benign. Last evaluated: 2025-07-31. Review status: criteria provided, single submitter. Criteria: Invitae Variant Classification Sherloc (09022015). Collection method: clinical testing. Allele origin: germline.

CeGaT Center for Human Genetics Tuebingen
Classification: Likely benign. Last evaluated: 2023-04-01. Review status: criteria provided, single submitter. Criteria: CeGaT Center For Human Genetics Tuebingen Variant Classification Criteria Version 2. Collection method: clinical testing. Allele origin: germline. Affected: yes. Observed: 2 variant alleles.
Comment: RAI1: BS2

Ambry Genetics
Classification: Likely benign for Inborn genetic diseases. Last evaluated: 2017-02-24. Review status: criteria provided, single submitter. Criteria: Ambry Variant Classification Scheme 2023. Collection method: clinical testing. Allele origin: germline.

PreventionGenetics, part of Exact Sciences
Classification: Likely benign for RAI1-related condition. Last evaluated: 2022-09-28. Review status: no assertion criteria provided. Collection method: clinical testing. Allele origin: germline. Not counted in ClinVar's aggregate classification.
Comment: This variant is classified as likely benign based on ACMG/AMP sequence variant interpretation guidelines (Richards et al. 2015 PMID: 25741868, with internal and published modifications).

NM_030665.4(RAI1):c.2704GAGGAGGTG[1] (p.902EEV[1])

Gene: RAI1 (retinoic acid induced 1; plus strand). Cytogenetic location: 17p11.2.
Variant type: Microsatellite.
Coding change: c.2704GAGGAGGTG[1] on transcript NM_030665.4 (MANE Select); one copy of the 9-base unit GAGGAGGTG starting at c.2704; the reference has two copies in a row; one copy, 9 bases deleted.
Protein change: p.902EEV[1].
Molecular consequence: inframe deletion.
Genome position (GRCh38, 1-based): chr17:17,795,661-17,795,669, GAGGAGGTG deleted; deleting any 9 consecutive bases within chr17:17,795,651-17,795,669 gives the same sequence; the position shown is the placement nearest the transcript's 3' end. VCF-style (leftmost placement, unchanged base first): chr17-17795650-AGGAGGAGGT-A. GRCh37 (hg19) VCF-style: chr17-17698964-AGGAGGAGGT-A.
Other names: c.2713_2721del9 (NM_030665.3).
Identifiers: ClinVar variation 588401 (VCV000588401.48), dbSNP rs749561945, ClinGen allele CA8418587.